The following is an entry in ClinVar:

NM_032119.4(ADGRV1):c.16325G>A (p.Gly5442Asp)

Gene: ADGRV1 (adhesion G protein-coupled receptor V1; plus strand). Cytogenetic location: 5q14.3.
Variant type: single nucleotide variant.
Coding change: c.16325G>A on transcript NM_032119.4 (MANE Select); coding-DNA position 16325, G replaced by A.
Protein change: p.Gly5442Asp; replaces glycine 5442 with aspartic acid.
Molecular consequence: missense variant. On other transcripts: non-coding transcript variant (1).
Genome position (GRCh38, 1-based): chr5:90,823,553, G>A. VCF-style: chr5-90823553-G-A. GRCh37 (hg19) VCF-style: chr5-90119370-G-A.
Other names: short protein forms G5442D.
Identifiers: ClinVar variation 593941 (VCV000593941.21), dbSNP rs376505416, ClinGen allele CA3342116.

ClinVar aggregate classification (germline): Conflicting classifications of pathogenicity. Review status: criteria provided, conflicting classifications (1 of 4 stars). 8 submissions from 8 submitters: Uncertain significance (7); Likely benign (1). Last evaluated 2026-08-21.

Conditions:
Usher syndrome type 2C. Also called: Usher syndrome, type 2B; USHER SYNDROME, TYPE IIC. Identifiers: Orphanet 231178, Orphanet 886, MedGen C2931213, MONDO:0011558, OMIM 605472.
Inborn genetic diseases. Identifiers: MedGen C0950123, MeSH D030342.
ADGRV1-related disorder. Also called: ADGRV1-related condition; ADGRV1-related disorders.

Allele frequency attached by ClinVar (database versions not stated): gnomAD exomes 0.00004; gnomAD 0.00005; ExAC 0.00006; TOPMed 0.00010; ESP Exome Variant Server 0.00017.
gnomAD v4.1: 287 of 1,613,776 alleles (0.018%); highest among the groups gnomAD compares: Non-Finnish European, 0.024%; no homozygotes.

Submissions (8):

PreventionGenetics, part of Exact Sciences
Classification: Uncertain significance for ADGRV1-related condition. Last evaluated: 2026-08-21. Review status: criteria provided, single submitter. Criteria: ACMG Guidelines, 2015. Collection method: clinical testing. Allele origin: germline.
Comment: The ADGRV1 c.16325G>A variant is predicted to result in the amino acid substitution p.Gly5442Asp. To our knowledge, this variant has not been reported in the literature. This variant is present in 0.0099% of alleles in individuals of Ashkenazi Jewish descent in gnomAD. At this time, the clinical significance of this variant is uncertain due to the absence of conclusive functional and genetic evidence.

GeneDx
Classification: Uncertain significance. Last evaluated: 2026-04-29. Review status: criteria provided, single submitter. Criteria: GeneDx Variant Classification Process June 2021. Collection method: clinical testing. Allele origin: germline.
Comment: In silico analysis supports that this missense variant has a deleterious effect on protein structure/function; Has not been previously published as pathogenic or benign to our knowledge

Labcorp Genetics (formerly Invitae), Labcorp
Classification: Likely benign. Last evaluated: 2026-01-24. Review status: criteria provided, single submitter. Criteria: Invitae Variant Classification Sherloc (09022015). Collection method: clinical testing. Allele origin: germline.

Blueprint Genetics
Classification: Uncertain significance. Last evaluated: 2024-11-22. Review status: criteria provided, single submitter. Criteria: ACMG Guidelines, 2015. Collection method: clinical testing. Allele origin: germline.

Ambry Genetics
Classification: Uncertain significance for Inborn genetic diseases. Last evaluated: 2022-10-26. Review status: criteria provided, single submitter. Criteria: Ambry Variant Classification Scheme 2023. Collection method: clinical testing. Allele origin: germline.

Athena Diagnostics
Classification: Uncertain significance. Last evaluated: 2019-05-06. Review status: criteria provided, single submitter. Criteria: Athena Diagnostics Criteria. Collection method: clinical testing. Allele origin: germline.

Illumina Laboratory Services, Illumina
Classification: Uncertain significance for Usher syndrome type 2C. Last evaluated: 2018-01-13. Review status: criteria provided, single submitter. Criteria: ICSL Variant Classification Criteria 13 December 2019. Collection method: clinical testing. Allele origin: germline.

Eurofins Ntd Llc (ga)
Classification: Uncertain significance. Last evaluated: 2017-09-01. Review status: criteria provided, single submitter. Criteria: EGL Classification Definitions 2015. Collection method: clinical testing. Allele origin: germline. Observed: 1 variant allele, 1 heterozygote.